The following is an entry in ClinVar:

NM_000222.3(KIT):c.2751C>G (p.Phe917Leu)

Gene: KIT (KIT proto-oncogene, receptor tyrosine kinase; plus strand). Cytogenetic location: 4q12.
Variant type: single nucleotide variant.
Coding change: c.2751C>G on transcript NM_000222.3 (MANE Select); coding-DNA position 2751, C replaced by G.
Protein change: p.Phe917Leu; replaces phenylalanine 917 with leucine.
Molecular consequence: missense variant.
Genome position (GRCh38, 1-based): chr4:54,737,229, C>G. VCF-style: chr4-54737229-C-G. GRCh37 (hg19) VCF-style: chr4-55603395-C-G.
Other names: c.2739C>G, p.Phe913Leu (NM_001093772.2, NM_001385292.1); c.2754C>G, p.Phe918Leu (NM_001385284.1); c.2748C>G, p.Phe916Leu (NM_001385285.1); c.2736C>G, p.Phe912Leu (NM_001385286.1); c.2742C>G, p.Phe914Leu (NM_001385288.1); c.2751C>G, p.Phe917Leu (NM_001385290.1); short protein forms F912L, F917L, F913L, F914L, F916L, F918L.
Identifiers: ClinVar variation 3534727 (VCV003534727.1).

ClinVar aggregate classification (germline): Uncertain significance (1 of 4 stars; one submission).

Conditions:
Hereditary cancer-predisposing syndrome. Also called: Hereditary Cancer Syndrome; Hereditary neoplastic syndrome; Tumor predisposition; Neoplastic Syndromes, Hereditary. Identifiers: Orphanet 140162, MedGen C0027672, MeSH D009386, MONDO:0015356.

Submission:

Ambry Genetics
Classification: Uncertain significance for Hereditary cancer-predisposing syndrome. Last evaluated: 2024-10-28. Review status: criteria provided, single submitter. Criteria: Ambry Variant Classification Scheme 2023. Collection method: clinical testing. Allele origin: germline.
Comment: The p.F917L variant (also known as c.2751C>G), located in coding exon 20 of the KIT gene, results from a C to G substitution at nucleotide position 2751. The phenylalanine at codon 917 is replaced by leucine, an amino acid with highly similar properties. This amino acid position is conserved. In addition, this alteration is predicted to be deleterious by in silico analysis. Based on the available evidence, the clinical significance of this variant remains unclear.